The following is an entry in ClinVar:

NM_001365951.3(KIF1B):c.2405T>G (p.Leu802Trp)

Gene: KIF1B (kinesin family member 1B; plus strand). Cytogenetic location: 1p36.22.
Variant type: single nucleotide variant.
Coding change: c.2405T>G on transcript NM_001365951.3 (MANE Select); coding-DNA position 2405, T replaced by G.
Protein change: p.Leu802Trp; replaces leucine 802 with tryptophan.
Molecular consequence: missense variant.
Genome position (GRCh38, 1-based): chr1:10,323,930, T>G. VCF-style: chr1-10323930-T-G. GRCh37 (hg19) VCF-style: chr1-10383988-T-G.
Other names: c.2405T>G, p.Leu802Trp (NM_001365952.1); c.2267T>G, p.Leu756Trp (NM_015074.3); short protein forms L802W, L756W.
Identifiers: ClinVar variation 2447828 (VCV002447828.2), dbSNP rs1484647033, ClinGen allele CA338334499.

ClinVar aggregate classification (germline): Uncertain significance (1 of 4 stars; one submission).

Allele frequency attached by ClinVar (database versions not stated): gnomAD exomes below 0.00001.
gnomAD v4.1: 2 of 1,614,188 alleles (0.00012%); highest among the groups gnomAD compares: Non-Finnish European, 0.00017%; no homozygotes.

Submission:

Ambry Genetics
Classification: Uncertain significance. Last evaluated: 2022-12-23. Review status: criteria provided, single submitter. Criteria: Ambry Variant Classification Scheme 2023. Collection method: clinical testing. Allele origin: germline.
Comment: The p.L756W variant (also known as c.2267T>G), located in coding exon 22 of the KIF1B gene, results from a T to G substitution at nucleotide position 2267. The leucine at codon 756 is replaced by tryptophan, an amino acid with similar properties. This amino acid position is conserved. In addition, the in silico prediction for this alteration is inconclusive. Since supporting evidence is limited at this time, the clinical significance of this alteration remains unclear.